The following is an entry in ClinVar:

ClinVar aggregate classification (germline): Pathogenic (1 of 4 stars; one submission).

Submission:

Labcorp Genetics (formerly Invitae), Labcorp
Classification: Pathogenic. Last evaluated: 2022-05-12. Review status: criteria provided, single submitter. Criteria: Invitae Variant Classification Sherloc (09022015). Collection method: clinical testing. Allele origin: germline.
Comment: For these reasons, this variant has been classified as Pathogenic. Experimental studies and prediction algorithms are not available or were not evaluated, and the functional significance of this variant is currently unknown. This variant has not been reported in the literature in individuals affected with POLE-related conditions. This variant is not present in population databases (gnomAD no frequency). This sequence change creates a premature translational stop signal (p.Arg1231Glyfs*130) in the POLE gene. It is expected to result in an absent or disrupted protein product. Loss-of-function variants in POLE are known to be pathogenic (PMID: 23230001, 25948378, 30503519).

Literature cited by the submitters: PubMed 23230001; PubMed 25948378; PubMed 30503519.

NM_006231.4(POLE):c.3691del (p.Arg1231fs)

Gene: POLE (DNA polymerase epsilon, catalytic subunit; minus strand). Cytogenetic location: 12q24.33.
Variant type: Deletion.
Coding change: c.3691del on transcript NM_006231.4 (MANE Select); coding-DNA position 3691, one base deleted (A; older notation c.3691delA).
Protein change: p.Arg1231fs; shifts the reading frame from arginine 1231.
Molecular consequence: frameshift variant.
Genome position (GRCh38, 1-based): chr12:132,649,781, T deleted on the plus strand (A on the coding strand, the reverse complement: POLE is on the minus strand). VCF-style (leftmost placement, unchanged base first): chr12-132649780-CT-C. GRCh37 (hg19) VCF-style: chr12-133226366-CT-C.
Other names: short protein forms R1231fs.
Identifiers: ClinVar variation 2115489 (VCV002115489.4), dbSNP rs2541954580, ClinGen allele CA2580086205.
Genomic context (GRCh38, chr12:132,649,780, plus strand): 5'-CAGGGCACAGTCGGCGTGAGGTCCTGGGACTCCTCCTGGCTCTCCCAAAGAACTCGCTTC[CT>C]CTTCACAGTGACAGGGGCTGCTGGGTGAGGCAGCTTTACGAGGCCGAAGTCCTCCATGTC-3'